The following is an entry in ClinVar:

NM_000136.3(FANCC):c.17T>G (p.Val6Gly)

Gene: FANCC (FA complementation group C; minus strand). Cytogenetic location: 9q22.32.
Variant type: single nucleotide variant.
Coding change: c.17T>G on transcript NM_000136.3 (MANE Select); coding-DNA position 17, T replaced by G.
Protein change: p.Val6Gly; replaces valine 6 with glycine.
Molecular consequence: missense variant.
Genome position (GRCh38, 1-based): chr9:95,249,275, A>C on the plus strand (T>G on the coding strand, the complement: FANCC is on the minus strand). VCF-style: chr9-95249275-A-C. GRCh37 (hg19) VCF-style: chr9-98011557-A-C.
Other names: c.17T>G, p.Val6Gly (NM_001243743.2, NM_001243744.2); short protein forms V6G.
Identifiers: ClinVar variation 421359 (VCV000421359.3), dbSNP rs527289778, ClinGen allele CA16618896.

ClinVar aggregate classification (germline): Uncertain significance. Review status: criteria provided, single submitter (1 of 4 stars). 2 submissions from 2 submitters: Uncertain significance (1). 1 of the submissions does not count toward it. Last evaluated 2016-06-02.

Conditions:
Fanconi anemia (FA). Also called: Fanconi's anemia. Identifiers: Orphanet 84, MedGen C0015625, MeSH D005199, MONDO:0019391.

Submissions (2):

GeneDx
Classification: Uncertain significance. Last evaluated: 2016-06-02. Review status: criteria provided, single submitter. Criteria: GeneDx Variant Classification (06012015). Collection method: clinical testing. Allele origin: germline. Affected: yes.
Comment: This variant is denoted FANCC c.17T>G at the cDNA level, p.Val6Gly (V6G) at the protein level, and results in the change of a Valine to a Glycine (GTA>GGA). This variant has not, to our knowledge, been published in the literature as pathogenic or benign. FANCC Val6Gly was not observed in approximately 6,500 individuals of European and African American ancestry in the NHLBI Exome Sequencing Project, suggesting it is not a common benign variant in these populations. Since Valine and Glycine share similar properties, this is considered a conservative amino acid substitution. FANCC Val6Gly occurs at a position that is not conserved and is not located in a known functional domain (Gordon 2000). In silico analyses predict that this variant is unlikely to alter protein structure or function. Based on currently available evidence, it is unclear whether FANCC Val6Gly is a pathogenic or benign variant. We consider it to be a variant of uncertain significance.

Natera, Inc.
Classification: Uncertain significance for Fanconi anemia. Last evaluated: 2021-04-19. Review status: no assertion criteria provided. Collection method: clinical testing. Allele origin: germline. Not counted in ClinVar's aggregate classification.